The following is an entry in ClinVar:

ClinVar aggregate classification (germline): Conflicting classifications of pathogenicity. Review status: criteria provided, conflicting classifications (1 of 4 stars). 2 submissions from 1 submitter: Uncertain significance (1); Benign (1). Last evaluated 2018-01-13.

Conditions:
Autosomal dominant hypophosphatemic rickets (ADHR). Also called: HYPOPHOSPHATEMIA, AUTOSOMAL DOMINANT; VITAMIN D-RESISTANT RICKETS, AUTOSOMAL DOMINANT. Identifiers: Orphanet 89937, MedGen C0342642, MONDO:0008660, OMIM 193100.
Tumoral calcinosis, hyperphosphatemic, familial, 2. Identifiers: MedGen C4693863, MONDO:0060714, OMIM 617993.

Allele frequency attached by ClinVar (database versions not stated): 1000 Genomes Project 0.00140; 1000 Genomes Project 30x 0.00141; gnomAD 0.00169 and 0.00174; TOPMed 0.00173; gnomAD exomes 0.00356.
gnomAD v4.1: 377 of 183,078 alleles (0.21%); highest among the groups gnomAD compares: Middle Eastern, 1%; 1 homozygote.

Submissions (2):

Illumina Laboratory Services, Illumina
Classification: Uncertain significance for Tumoral calcinosis, hyperphosphatemic, familial, 2. Last evaluated: 2018-01-13. Review status: criteria provided, single submitter. Criteria: ICSL Variant Classification Criteria 13 December 2019. Collection method: clinical testing. Allele origin: germline.

Illumina Laboratory Services, Illumina
Classification: Benign for Autosomal dominant hypophosphatemic rickets. Last evaluated: 2018-01-13. Review status: criteria provided, single submitter. Criteria: ICSL Variant Classification Criteria 13 December 2019. Collection method: clinical testing. Allele origin: germline.
Comment: This variant was observed in the ICSL laboratory as part of a predisposition screen in an ostensibly healthy population. It had not been previously curated by ICSL or reported in the Human Gene Mutation Database (HGMD: prior to June 1st, 2018), and was therefore a candidate for classification through an automated scoring system. Utilizing variant allele frequency, disease prevalence and penetrance estimates, and inheritance mode, an automated score was calculated to assess if this variant is too frequent to cause the disease. Based on the score and internal cut-off values, a variant classified as benign is not then subjected to further curation. The score for this variant resulted in a classification of benign for this disease.

NM_020638.3(FGF23):c.*1886C>A

Gene: FGF23 (fibroblast growth factor 23; minus strand). Cytogenetic location: 12p13.32.
Variant type: single nucleotide variant.
Coding change: c.*1886C>A on transcript NM_020638.3 (MANE Select); 1886 bases downstream of the stop codon, C replaced by A.
Molecular consequence: 3 prime UTR variant.
Genome position (GRCh38, 1-based): chr12:4,368,457, G>T on the plus strand (C>A on the coding strand, the complement: FGF23 is on the minus strand). VCF-style: chr12-4368457-G-T. GRCh37 (hg19) VCF-style: chr12-4477623-G-T.
Identifiers: ClinVar variation 308775 (VCV000308775.5), dbSNP rs183802802, ClinGen allele CA10637444.